The following is an entry in ClinVar:

NM_004656.4(BAP1):c.693G>A (p.Met231Ile)

Gene: BAP1 (BRCA1 associated deubiquitinase 1; minus strand). Cytogenetic location: 3p21.1.
Variant type: single nucleotide variant.
Coding change: c.693G>A on transcript NM_004656.4 (MANE Select); coding-DNA position 693, G replaced by A.
Protein change: p.Met231Ile; replaces methionine 231 with isoleucine.
Molecular consequence: missense variant. On other transcripts: intron variant (1).
Genome position (GRCh38, 1-based): chr3:52,406,343, C>T on the plus strand (G>A on the coding strand, the complement: BAP1 is on the minus strand). VCF-style: chr3-52406343-C-T. GRCh37 (hg19) VCF-style: chr3-52440359-C-T.
Other names: c.660-21G>A (NM_001410772.1); short protein forms M231I.
Identifiers: ClinVar variation 3893816 (VCV003893816.1).

ClinVar aggregate classification (germline): Uncertain significance (1 of 4 stars; one submission).

Conditions:
Hereditary cancer-predisposing syndrome. Also called: Neoplastic Syndromes, Hereditary; Tumor predisposition; Hereditary Cancer Syndrome; Hereditary neoplastic syndrome. Identifiers: Orphanet 140162, MedGen C0027672, MeSH D009386, MONDO:0015356.

Submission:

Color Diagnostics, LLC DBA Color Health
Classification: Uncertain significance for Hereditary cancer-predisposing syndrome. Last evaluated: 2024-11-26. Review status: criteria provided, single submitter. Criteria: ACMG Guidelines, 2015. Collection method: clinical testing. Allele origin: germline.
Comment: This missense variant replaces methionine with isoleucine at codon 231 of the BAP1 protein. Computational prediction is inconclusive regarding the impact of this variant on protein structure and function. To our knowledge, functional studies have not been reported for this variant. This variant has not been reported as a germline variant in individuals affected with BAP1-related disorders in the literature. This variant has not been identified in the general population by the Genome Aggregation Database (gnomAD). The available evidence is insufficient to determine the role of this variant in disease conclusively. Therefore, this variant is classified as a Variant of Uncertain Significance.